The following is an entry in ClinVar:

ClinVar aggregate classification (germline): Uncertain significance (1 of 4 stars; one submission).

Conditions:
Thrombophilia due to protein C deficiency, autosomal dominant. Also called: PROC DEFICIENCY, AUTOSOMAL DOMINANT; PROTEIN C DEFICIENCY, AUTOSOMAL DOMINANT. Identifiers: Orphanet 745, MedGen C2674321, MONDO:0008316, OMIM 176860. Disease mechanism: loss of function.

Allele frequency attached by ClinVar (database versions not stated): gnomAD exomes below 0.00001; ExAC 0.00001.
gnomAD v4.1: 1 of 1,613,934 alleles (0.000062%); highest among the groups gnomAD compares: Non-Finnish European, 0.000085%; no homozygotes.

Submission:

ISTH-SSC Genomics in Thrombosis and Hemostasis, KU Leuven, Center for Molecular and Vascular Biology
Classification: Uncertain significance for Thrombophilia due to protein C deficiency, autosomal dominant. Last evaluated: 2020-01-01. Review status: criteria provided, single submitter. Criteria: ACMG Guidelines, 2015. Collection method: clinical testing. Allele origin: unknown. Affected: yes.
Comment: Submitted to GoldVariant by Kathleen Freson, Center for Molecular and Vascular Biology, Leuven, Belgium

Literature cited by the submitters: PubMed 34355501.

NM_000312.4(PROC):c.547T>C (p.Cys183Arg)

Gene: PROC (protein C, inactivator of coagulation factors Va and VIIIa; plus strand). Cytogenetic location: 2q14.3.
Variant type: single nucleotide variant.
Coding change: c.547T>C on transcript NM_000312.4 (MANE Select); coding-DNA position 547, T replaced by C.
Protein change: p.Cys183Arg; replaces cysteine 183 with arginine.
Molecular consequence: missense variant.
Genome position (GRCh38, 1-based): chr2:127,426,096, T>C. VCF-style: chr2-127426096-T-C. GRCh37 (hg19) VCF-style: chr2-128183672-T-C.
Other names: c.730T>C, p.Cys244Arg (NM_001375602.1); c.712T>C, p.Cys238Arg (NM_001375603.1); c.610T>C, p.Cys204Arg (NM_001375604.1); c.649T>C, p.Cys217Arg (NM_001375605.1); c.715T>C, p.Cys239Arg (NM_001375606.1); c.733T>C, p.Cys245Arg (NM_001375607.1); c.490T>C, p.Cys164Arg (NM_001375608.1); c.523T>C, p.Cys175Arg (NM_001375609.1); and 2 more; short protein forms C164R, C175R, C181R, C183R, C204R, C217R, C238R, C239R.
Identifiers: ClinVar variation 1676215 (VCV001676215.1), dbSNP rs748920874, ClinGen allele CA1859386.